The following is an entry in ClinVar:

ClinVar aggregate classification (germline): Uncertain significance. Review status: criteria provided, multiple submitters, no conflicts (2 of 4 stars). 2 submissions from 2 submitters: Uncertain significance (2). Last evaluated 2025-10-28.

Allele frequency attached by ClinVar (database versions not stated): ExAC 0.00002; TOPMed 0.00002; gnomAD 0.00002; gnomAD exomes 0.00002.
gnomAD v4.1: 27 of 1,614,046 alleles (0.0017%); highest among the groups gnomAD compares: Non-Finnish European, 0.0022%; no homozygotes.

Submissions (2):

Ambry Genetics
Classification: Uncertain significance. Last evaluated: 2025-10-28. Review status: criteria provided, single submitter. Criteria: Ambry Variant Classification Scheme 2023. Collection method: clinical testing. Allele origin: germline.

Labcorp Genetics (formerly Invitae), Labcorp
Classification: Uncertain significance. Last evaluated: 2024-08-04. Review status: criteria provided, single submitter. Criteria: Invitae Variant Classification Sherloc (09022015). Collection method: clinical testing. Allele origin: germline.
Comment: This sequence change replaces isoleucine, which is neutral and non-polar, with leucine, which is neutral and non-polar, at codon 780 of the MCM4 protein (p.Ile780Leu). This variant is present in population databases (rs777710375, gnomAD 0.003%). This variant has not been reported in the literature in individuals affected with MCM4-related conditions. ClinVar contains an entry for this variant (Variation ID: 1939733). Advanced modeling of protein sequence and biophysical properties (such as structural, functional, and spatial information, amino acid conservation, physicochemical variation, residue mobility, and thermodynamic stability) performed at Invitae indicates that this missense variant is not expected to disrupt MCM4 protein function with a negative predictive value of 80%. In summary, the available evidence is currently insufficient to determine the role of this variant in disease. Therefore, it has been classified as a Variant of Uncertain Significance.

NM_182746.3(MCM4):c.2338A>C (p.Ile780Leu)

Gene: MCM4 (minichromosome maintenance complex component 4; plus strand). Cytogenetic location: 8q11.21.
Variant type: single nucleotide variant.
Coding change: c.2338A>C on transcript NM_182746.3 (MANE Select); coding-DNA position 2338, A replaced by C.
Protein change: p.Ile780Leu; replaces isoleucine 780 with leucine.
Molecular consequence: missense variant.
Genome position (GRCh38, 1-based): chr8:47,974,935, A>C. VCF-style: chr8-47974935-A-C. GRCh37 (hg19) VCF-style: chr8-48887495-A-C.
Other names: c.2338A>C (NM_005914.3); c.2338A>C, p.Ile780Leu (NM_005914.4); short protein forms I780L.
Identifiers: ClinVar variation 1939733 (VCV001939733.4), dbSNP rs777710375, ClinGen allele CA4742878.